The following is an entry in ClinVar:

ClinVar aggregate classification (germline): Pathogenic (1 of 4 stars; one submission).

Conditions:
Ataxia-telangiectasia syndrome (AT). Also called: Ataxia-telangiectasia; LOUIS-BAR SYNDROME; Ataxia-telangiectasia, complementation group D; AT, COMPLEMENTATION GROUP C; ATAXIA-TELANGIECTASIA, COMPLEMENTATION GROUP A; ATAXIA-TELANGIECTASIA, FRESNO VARIANT. Identifiers: Orphanet 100, MedGen C0004135, MONDO:0008840, OMIM 208900.

Submission:

Labcorp Genetics (formerly Invitae), Labcorp
Classification: Pathogenic for Ataxia-telangiectasia syndrome. Last evaluated: 2021-01-30. Review status: criteria provided, single submitter. Criteria: Invitae Variant Classification Sherloc (09022015). Collection method: clinical testing. Allele origin: germline.
Comment: For these reasons, this variant has been classified as Pathogenic. This variant has not been reported in the literature in individuals with ATM-related conditions. This variant is not present in population databases (ExAC no frequency). This sequence change creates a premature translational stop signal (p.Asn2381Lysfs*22) in the ATM gene. It is expected to result in an absent or disrupted protein product. Loss-of-function variants in ATM are known to be pathogenic (PMID: 23807571, 25614872).

Literature cited by the submitters: PubMed 23807571; PubMed 25614872.

NM_000051.4(ATM):c.7142dup (p.Asn2381fs)

Genes: ATM (ATM serine/threonine kinase; plus strand), C11orf65 (chromosome 11 open reading frame 65; minus strand). Cytogenetic location: 11q22.3.
Variant type: Duplication.
Coding change: c.7142dup on transcript NM_000051.4 (MANE Select); coding-DNA position 7142, one base duplicated (A; older notation c.7142dupA).
Protein change: p.Asn2381fs; shifts the reading frame from asparagine 2381.
Molecular consequence: frameshift variant. On other transcripts: intron variant (2).
Genome position (GRCh38, 1-based): chr11:108,329,073, A duplicated; the last of 3 consecutive A bases (chr11:108,329,071-108,329,073); duplicating any one gives the same sequence. VCF-style (leftmost placement, unchanged base first): chr11-108329070-G-GA. GRCh37 (hg19) VCF-style: chr11-108199797-G-GA.
Other names: c.7142dup, p.Asn2381fs (NM_001351834.2); c.641-20000dup (NM_001330368.2); c.*38+6149dup (NM_001351110.2); short protein forms N2381fs.
Identifiers: ClinVar variation 1364211 (VCV001364211.7), dbSNP rs2136413158, ClinGen allele CA2573146635.